The following is an entry in ClinVar:

NM_138694.4(PKHD1):c.8313C>T (p.Val2771=)

Gene: PKHD1 (PKHD1 ciliary IPT domain containing fibrocystin/polyductin; minus strand). Cytogenetic location: 6p12.3.
Variant type: single nucleotide variant.
Coding change: c.8313C>T on transcript NM_138694.4 (MANE Select); coding-DNA position 8313, C replaced by T.
Protein change: p.Val2771=; no amino-acid change (valine 2771 retained).
Molecular consequence: synonymous variant.
Genome position (GRCh38, 1-based): chr6:51,791,363, G>A on the plus strand (C>T on the coding strand, the complement: PKHD1 is on the minus strand). VCF-style: chr6-51791363-G-A. GRCh37 (hg19) VCF-style: chr6-51656161-G-A.
Other names: c.8313C>T, p.Val2771= (NM_170724.3).
Identifiers: ClinVar variation 708668 (VCV000708668.12), dbSNP rs368995583, ClinGen allele CA3851666.
Genomic context (GRCh38, chr6:51,791,363, plus strand): 5'-GAAGTCTAAGGTCCCCATCACATACAGCCCTTTGAAGAATGGAAGATCTGTATCCACAAG[G>A]ACAGTTCTGTCTGTGGAAGAAAAAGAAATTGCTCAGATATGTCACAAAAACAAGAATTAC-3'
Protein context (NP_619639.3, residues 2761-2781): DDVLILPNRT[Val2771=]LVDTDLPFFK

ClinVar aggregate classification (germline): Likely benign. Review status: criteria provided, single submitter (1 of 4 stars). 2 submissions from 2 submitters: Likely benign (1). 1 of the submissions does not count toward it. Last evaluated 2024-01-29.

Conditions:
PKHD1-related disorder. Also called: PKHD1-related condition.
Autosomal recessive polycystic kidney disease (ARPKD). Also called: AR polycystic kidney disease. Identifiers: Orphanet 731, Orphanet 8378, MedGen C0085548, MeSH D017044, MONDO:0009889.

Allele frequency attached by ClinVar (database versions not stated): ExAC 0.00001; gnomAD exomes 0.00001 and 0.00002; TOPMed 0.00001; gnomAD 0.00002; ESP Exome Variant Server 0.00008.
gnomAD v4.1: 21 of 1,613,432 alleles (0.0013%); highest among the groups gnomAD compares: Admixed American, 0.0033%; no homozygotes.

Submissions (2):

Labcorp Genetics (formerly Invitae), Labcorp
Classification: Likely benign for Autosomal recessive polycystic kidney disease. Last evaluated: 2024-01-29. Review status: criteria provided, single submitter. Criteria: Invitae Variant Classification Sherloc (09022015). Collection method: clinical testing. Allele origin: germline.

PreventionGenetics, part of Exact Sciences
Classification: Likely benign for PKHD1-related condition. Last evaluated: 2021-05-24. Review status: no assertion criteria provided. Collection method: clinical testing. Allele origin: germline. Not counted in ClinVar's aggregate classification.
Comment: This variant is classified as likely benign based on ACMG/AMP sequence variant interpretation guidelines (Richards et al. 2015 PMID: 25741868, with internal and published modifications).